The following is an entry in ClinVar:

NM_001080414.4(CCDC88C):c.844C>G (p.His282Asp)

Gene: CCDC88C (coiled-coil domain containing 88C; minus strand). Cytogenetic location: 14q32.11.
Variant type: single nucleotide variant.
Coding change: c.844C>G on transcript NM_001080414.4 (MANE Select); coding-DNA position 844, C replaced by G.
Protein change: p.His282Asp; replaces histidine 282 with aspartic acid.
Molecular consequence: missense variant.
Genome position (GRCh38, 1-based): chr14:91,338,536, G>C on the plus strand (C>G on the coding strand, the complement: CCDC88C is on the minus strand). VCF-style: chr14-91338536-G-C. GRCh37 (hg19) VCF-style: chr14-91804880-G-C.
Other names: short protein forms H282D.
Identifiers: ClinVar variation 2882593 (VCV002882593.1), dbSNP rs760256583, ClinGen allele CA7310084.

ClinVar aggregate classification (germline): Uncertain significance (1 of 4 stars; one submission).

gnomAD v4.1: 24 of 1,572,812 alleles (0.0015%); highest among the groups gnomAD compares: South Asian, 0.025%; no homozygotes.

Submission:

Labcorp Genetics (formerly Invitae), Labcorp
Classification: Uncertain significance. Last evaluated: 2023-11-19. Review status: criteria provided, single submitter. Criteria: Invitae Variant Classification Sherloc (09022015). Collection method: clinical testing. Allele origin: germline.
Comment: This sequence change replaces histidine, which is basic and polar, with aspartic acid, which is acidic and polar, at codon 282 of the CCDC88C protein (p.His282Asp). This variant is present in population databases (rs760256583, gnomAD 0.02%). This variant has not been reported in the literature in individuals affected with CCDC88C-related conditions. An algorithm developed to predict the effect of missense changes on protein structure and function (PolyPhen-2) suggests that this variant is likely to be disruptive. In summary, the available evidence is currently insufficient to determine the role of this variant in disease. Therefore, it has been classified as a Variant of Uncertain Significance.